The following is an entry in ClinVar:

NM_000492.4(CFTR):c.3963+1del

Gene: CFTR (CF transmembrane conductance regulator; plus strand). Cytogenetic location: 7q31.2.
Variant type: Deletion.
Coding change: c.3963+1del on transcript NM_000492.4 (MANE Select); the canonical splice donor site of the intron after coding-DNA position 3963, one base deleted (G; older notation c.3963+1delG).
Molecular consequence: splice donor variant.
Genome position (GRCh38, 1-based): chr7:117,652,932, G deleted; the last of 2 consecutive G bases (chr7:117,652,931-117,652,932); deleting either gives the same sequence. VCF-style (leftmost placement, unchanged base first): chr7-117652930-AG-A. GRCh37 (hg19) VCF-style: chr7-117292984-AG-A.
Other names: c.3963+1delG (NM_000492.3, NM_000492.4).
Identifiers: ClinVar variation 3896264 (VCV003896264.3).
Genomic context (GRCh38, chr7:117,652,930, plus strand): 5'-GAAAAAACTTGGATCCCTATGAACAGTGGAGTGATCAAGAAATATGGAAAGTTGCAGATG[AG>A]GTAAGGCTGCTAACTGAAATGATTTTGAAAGGGGTAACTCATACCAACACAAATGGCTGA-3'

ClinVar aggregate classification (germline): Likely pathogenic. Review status: criteria provided, multiple submitters, no conflicts (2 of 4 stars). 2 submissions from 2 submitters: Likely pathogenic (2). Last evaluated 2025-11-23.

Conditions:
Cystic fibrosis (CF). Also called: MUCOVISCIDOSIS. Identifiers: Orphanet 586, MedGen C0010674, MONDO:0009061, OMIM 219700. Disease mechanism: loss of function.
CFTR-related disorder (CFTR-RD). Also called: CFTR-related disorders; CFTR-related condition. Identifiers: MedGen C5924204, MONDO:7770004.

Submissions (2):

Natera, Inc.
Classification: Likely pathogenic for CFTR-related disorders. Last evaluated: 2025-11-23. Review status: criteria provided, single submitter. Criteria: Natera Variant Classification Schema (03/2026). Collection method: clinical testing. Allele origin: germline.
Comment: The c.3963+1delG variant in CFTR is a canonical splice donor site variant predicted to affect pre-mRNA splicing, which may result in an abnormal transcript and altered protein product. This variant is expected to result in nonsense mediated decay, truncation, or a dysfunctional protein product. This variant is rare in the general population with a frequency below the threshold expected for the associated phenotype(s). This variant has been observed in one or more individuals affected with the associated recessive disease, as either homozygous or compound heterozygous with a second variant (PMID: 39291770). Given the available evidence, this variant is classified as Likely Pathogenic.

Women's Health and Genetics/Laboratory Corporation of America, LabCorp
Classification: Likely pathogenic for Cystic fibrosis. Last evaluated: 2025-04-15. Review status: criteria provided, single submitter. Criteria: LabCorp Variant Classification Summary - May 2015. Collection method: clinical testing. Allele origin: germline.
Comment: Variant summary: CFTR c.3963+1delG is located in a canonical splice-site and is predicted to affect mRNA splicing resulting in a significantly altered protein due to either exon skipping, shortening, or inclusion of intronic material. Variants that disrupt the consensus splice site are a relatively common cause of aberrant splicing and loss of CFTR function. Several computational tools predict a significant impact on normal splicing: Four predict the variant abolishes a 5' splicing donor site. One predict the variant creates a 5' donor site. However, these predictions have yet to be confirmed by functional studies. The frequency data for this variant in gnomAD is considered unreliable, as metrics indicate poor data quality at this position. c.3963+1delG has been observed in individual(s) affected with Cystic Fibrosis (Yildiz_2024). To our knowledge, no experimental evidence demonstrating an impact on protein function has been reported. The following publication has been ascertained in the context of this evaluation (PMID: 39291770). No submitters have cited clinical-significance assessments for this variant to ClinVar. Based on the evidence outlined above, the variant was classified as likely pathogenic.

Literature cited by the submitters: PubMed 39291770 (cited by Natera, Inc. and Women's Health and Genetics/Laboratory Corporation of America, LabCorp).